The following is an entry in ClinVar:

ClinVar aggregate classification (germline): Likely benign. Review status: criteria provided, multiple submitters, no conflicts (2 of 4 stars). 3 submissions from 3 submitters: Likely benign (3). Last evaluated 2025-12-28.

Conditions:
Kufor-Rakeb syndrome (KRS). Also called: PARKINSON DISEASE 9, AUTOSOMAL RECESSIVE, JUVENILE-ONSET. Identifiers: Orphanet 306674, Orphanet 314632, MedGen C1847640, MONDO:0011706, OMIM 606693.
Autosomal recessive spastic paraplegia type 78. Identifiers: Orphanet 513436, MedGen C5567893, MONDO:0014975, OMIM 617225.

Allele frequency attached by ClinVar (database versions not stated): ExAC 0.00006; TOPMed 0.00006; gnomAD 0.00007 and 0.00006; gnomAD exomes 0.00011 and 0.00006.
gnomAD v4.1: 165 of 1,613,464 alleles (0.01%); highest among the groups gnomAD compares: Middle Eastern, 0.05%; no homozygotes.

Submissions (3):

Labcorp Genetics (formerly Invitae), Labcorp
Classification: Likely benign for Kufor-Rakeb syndrome; Autosomal recessive spastic paraplegia type 78. Last evaluated: 2025-12-28. Review status: criteria provided, single submitter. Criteria: Invitae Variant Classification Sherloc (09022015). Collection method: clinical testing. Allele origin: germline.

Blueprint Genetics
Classification: Likely benign. Last evaluated: 2024-09-20. Review status: criteria provided, single submitter. Criteria: ACMG Guidelines, 2015. Collection method: clinical testing. Allele origin: germline.

CeGaT Center for Human Genetics Tuebingen
Classification: Likely benign. Last evaluated: 2022-10-01. Review status: criteria provided, single submitter. Criteria: CeGaT Center For Human Genetics Tuebingen Variant Classification Criteria Version 2. Collection method: clinical testing. Allele origin: germline. Affected: yes. Observed: 2 variant alleles.
Comment: ATP13A2: BP4

NM_022089.4(ATP13A2):c.2252-8A>T

Gene: ATP13A2 (ATPase cation transporting 13A2; minus strand). Cytogenetic location: 1p36.13.
Variant type: single nucleotide variant.
Coding change: c.2252-8A>T on transcript NM_022089.4 (MANE Select); 8 bases into the intron before coding-DNA position 2252, A replaced by T.
Molecular consequence: intron variant.
Genome position (GRCh38, 1-based): chr1:16,990,295, T>A on the plus strand (A>T on the coding strand, the complement: ATP13A2 is on the minus strand). VCF-style: chr1-16990295-T-A. GRCh37 (hg19) VCF-style: chr1-17316790-T-A.
Other names: c.2237-8A>T (NM_001141974.3, NM_001141973.3).
Identifiers: ClinVar variation 704722 (VCV000704722.50), dbSNP rs759020707, ClinGen allele CA636899.